The following is an entry in ClinVar:

NM_000059.4(BRCA2):c.3200C>T (p.Thr1067Ile)

Gene: BRCA2 (BRCA2 DNA repair associated; plus strand). Cytogenetic location: 13q13.1.
Variant type: single nucleotide variant.
Coding change: c.3200C>T on transcript NM_000059.4 (MANE Select); coding-DNA position 3200, C replaced by T.
Protein change: p.Thr1067Ile; replaces threonine 1067 with isoleucine.
Molecular consequence: missense variant.
Genome position (GRCh38, 1-based): chr13:32,337,555, C>T. VCF-style: chr13-32337555-C-T. GRCh37 (hg19) VCF-style: chr13-32911692-C-T.
Other names: short protein forms T1067I.
Identifiers: ClinVar variation 629817 (VCV000629817.11), dbSNP rs1555283092, ClinGen allele CA387775864.

ClinVar aggregate classification (germline): Conflicting classifications of pathogenicity. Review status: criteria provided, conflicting classifications (1 of 4 stars). 4 submissions from 4 submitters: Uncertain significance (3); Likely benign (1). Last evaluated 2024-02-11.

Conditions:
Hereditary cancer-predisposing syndrome. Also called: Neoplastic Syndromes, Hereditary; Tumor predisposition; Hereditary neoplastic syndrome; Hereditary Cancer Syndrome. Identifiers: Orphanet 140162, MedGen C0027672, MeSH D009386, MONDO:0015356.
Hereditary breast ovarian cancer syndrome. Also called: Hereditary breast and ovarian cancer syndrome; Hereditary breast and ovarian cancer; Hereditary breast and ovarian cancer syndrome (HBOC); Breast and ovarian cancer; Hereditary breast and/or ovarian cancer syndrome; BRCA1- and BRCA2-Associated Hereditary Breast and Ovarian Cancer. Identifiers: Orphanet 145, MedGen C0677776, MeSH D061325, MONDO:0003582. Disease mechanism: loss of function.

Submissions (4):

Labcorp Genetics (formerly Invitae), Labcorp
Classification: Uncertain significance for Hereditary breast ovarian cancer syndrome. Last evaluated: 2024-02-11. Review status: criteria provided, single submitter. Criteria: Invitae Variant Classification Sherloc (09022015). Collection method: clinical testing. Allele origin: germline.
Comment: This sequence change replaces threonine, which is neutral and polar, with isoleucine, which is neutral and non-polar, at codon 1067 of the BRCA2 protein (p.Thr1067Ile). This variant is not present in population databases (gnomAD no frequency). This variant has not been reported in the literature in individuals affected with BRCA2-related conditions. ClinVar contains an entry for this variant (Variation ID: 629817). Advanced modeling of protein sequence and biophysical properties (such as structural, functional, and spatial information, amino acid conservation, physicochemical variation, residue mobility, and thermodynamic stability) performed at Invitae indicates that this missense variant is not expected to disrupt BRCA2 protein function with a negative predictive value of 95%. In summary, the available evidence is currently insufficient to determine the role of this variant in disease. Therefore, it has been classified as a Variant of Uncertain Significance.

Color Diagnostics, LLC DBA Color Health
Classification: Uncertain significance for Hereditary cancer-predisposing syndrome. Last evaluated: 2023-12-05. Review status: criteria provided, single submitter. Criteria: ACMG Guidelines, 2015. Collection method: clinical testing. Allele origin: germline.
Comment: This missense variant replaces threonine with isoleucine at codon 1067 of the BRCA2 protein. Computational prediction suggests that this variant may not impact protein structure and function (internally defined REVEL score threshold <= 0.5, PMID: 27666373). To our knowledge, functional studies have not been reported for this variant. This variant has not been reported in individuals affected with BRCA2-related disorders in the literature. This variant has not been identified in the general population by the Genome Aggregation Database (gnomAD). The available evidence is insufficient to determine the role of this variant in disease conclusively. Therefore, this variant is classified as a Variant of Uncertain Significance.

University of Washington Department of Laboratory Medicine, University of Washington
Classification: Likely benign for Hereditary cancer-predisposing syndrome. Last evaluated: 2023-03-23. Review status: criteria provided, single submitter. Criteria: Dines et al. (Genet Med. 2020). Collection method: curation. Allele origin: germline.
Comment: Missense variant in a coldspot region where missense variants are very unlikely to be pathogenic (PMID:31911673).

BRCA2 exon 11 coldspot. Reclassification based on statistical prior probability.

Ambry Genetics
Classification: Uncertain significance for Hereditary cancer-predisposing syndrome. Last evaluated: 2021-12-17. Review status: criteria provided, single submitter. Criteria: Ambry Variant Classification Scheme 2023. Collection method: clinical testing. Allele origin: germline.
Comment: The p.T1067I variant (also known as c.3200C>T), located in coding exon 10 of the BRCA2 gene, results from a C to T substitution at nucleotide position 3200. The threonine at codon 1067 is replaced by isoleucine, an amino acid with similar properties. This amino acid position is not well conserved in available vertebrate species. In addition, this alteration is predicted to be tolerated by in silico analysis. Since supporting evidence is limited at this time, the clinical significance of this alteration remains unclear.